The following is an entry in ClinVar:

NM_018006.5(TRMU):c.88del (p.Gln30fs)

Gene: TRMU (tRNA mitochondrial 2-thiouridylase; plus strand). Cytogenetic location: 22q13.31.
Variant type: Deletion.
Coding change: c.88del on transcript NM_018006.5 (MANE Select); coding-DNA position 88, one base deleted (C; older notation c.88delC).
Protein change: p.Gln30fs; shifts the reading frame from glutamine 30.
Molecular consequence: frameshift variant. On other transcripts: 5 prime UTR variant (3), non-coding transcript variant (2).
Genome position (GRCh38, 1-based): chr22:46,337,784, C deleted; the last of 2 consecutive C bases (chr22:46,337,783-46,337,784); deleting either gives the same sequence. VCF-style (leftmost placement, unchanged base first): chr22-46337782-AC-A. GRCh37 (hg19) VCF-style: chr22-46733679-AC-A.
Other names: c.-148del (NM_001282782.2); c.-167del (NM_001282783.2, NM_001282784.2); c.88del, p.Gln30fs (NM_001282785.2); short protein forms Q30fs.
Identifiers: ClinVar variation 4062392 (VCV004062392.2).

ClinVar aggregate classification (germline): Likely pathogenic (1 of 4 stars; one submission).

Conditions:
Acute infantile liver failure due to synthesis defect of mtDNA-encoded proteins. Also called: Liver failure acute infantile; LIVER FAILURE, INFANTILE, TRANSIENT; TRMU Deficiency. Identifiers: Orphanet 217371, MedGen C3278664, MONDO:0013111, OMIM 613070.

Submission:

Natera, Inc.
Classification: Likely pathogenic for Acute infantile liver failure due to synthesis defect of mtDNA-encoded proteins. Last evaluated: 2025-03-16. Review status: criteria provided, single submitter. Criteria: Natera Variant Classification Schema (03/2026). Collection method: clinical testing. Allele origin: germline.
Comment: The c.88del variant in TRMU is a frameshift variant predicted to shift the reading frame beginning at codon 30 and leads to a stop codon 2 codons downstream. This variant is expected to result in nonsense mediated decay, truncation, or a dysfunctional protein product. This variant is rare in the general population with a frequency below the threshold expected for the associated phenotype(s). Given the available evidence, this variant is classified as Likely Pathogenic.